The following is an entry in ClinVar:

ClinVar aggregate classification (germline): Uncertain significance (1 of 4 stars; one submission).

Conditions:
Cardiovascular phenotype. Identifiers: MedGen CN230736.

Allele frequency attached by ClinVar (database versions not stated): gnomAD exomes below 0.00001; ExAC 0.00001; TOPMed 0.00001.
gnomAD v4.1: 5 of 1,614,172 alleles (0.00031%); highest among the groups gnomAD compares: Non-Finnish European, 0.00042%; no homozygotes.

Submission:

Ambry Genetics
Classification: Uncertain significance for Cardiovascular phenotype. Last evaluated: 2023-02-11. Review status: criteria provided, single submitter. Criteria: Ambry Variant Classification Scheme 2023. Collection method: clinical testing. Allele origin: germline.
Comment: The p.E566D variant (also known as c.1698G>C), located in coding exon 5 of the HCN4 gene, results from a G to C substitution at nucleotide position 1698. The glutamic acid at codon 566 is replaced by aspartic acid, an amino acid with highly similar properties. This amino acid position is conserved. In addition, the in silico prediction for this alteration is inconclusive. Since supporting evidence is limited at this time, the clinical significance of this alteration remains unclear.

NM_005477.3(HCN4):c.1698G>C (p.Glu566Asp)

Gene: HCN4 (hyperpolarization activated cyclic nucleotide gated potassium channel 4; minus strand). Cytogenetic location: 15q24.1.
Variant type: single nucleotide variant.
Coding change: c.1698G>C on transcript NM_005477.3 (MANE Select); coding-DNA position 1698, G replaced by C.
Protein change: p.Glu566Asp; replaces glutamic acid 566 with aspartic acid.
Molecular consequence: missense variant.
Genome position (GRCh38, 1-based): chr15:73,325,337, C>G on the plus strand (G>C on the coding strand, the complement: HCN4 is on the minus strand). VCF-style: chr15-73325337-C-G. GRCh37 (hg19) VCF-style: chr15-73617678-C-G.
Other names: short protein forms E566D.
Identifiers: ClinVar variation 2497551 (VCV002497551.2), dbSNP rs777590499, ClinGen allele CA7649226.